The following is an entry in ClinVar:

ClinVar aggregate classification (germline): Uncertain significance (1 of 4 stars; one submission).

Allele frequency attached by ClinVar (database versions not stated): gnomAD exomes below 0.00001.
gnomAD v4.1: 4 of 1,612,212 alleles (0.00025%); highest among the groups gnomAD compares: East Asian, 0.0022%; no homozygotes.

Submission:

GeneDx
Classification: Uncertain significance. Last evaluated: 2023-09-14. Review status: criteria provided, single submitter. Criteria: GeneDx Variant Classification Process June 2021. Collection method: clinical testing. Allele origin: germline.
Comment: Not observed at significant frequency in large population cohorts (gnomAD); In silico analysis supports that this missense variant does not alter protein structure/function; Has not been previously published as pathogenic or benign to our knowledge

NM_139318.5(KCNH5):c.1834G>A (p.Val612Ile)

Gene: KCNH5 (potassium voltage-gated channel subfamily H member 5; minus strand). Cytogenetic location: 14q23.2.
Variant type: single nucleotide variant.
Coding change: c.1834G>A on transcript NM_139318.5 (MANE Select); coding-DNA position 1834, G replaced by A.
Protein change: p.Val612Ile; replaces valine 612 with isoleucine.
Molecular consequence: missense variant. On other transcripts: intron variant (1).
Genome position (GRCh38, 1-based): chr14:62,779,913, C>T on the plus strand (G>A on the coding strand, the complement: KCNH5 is on the minus strand). VCF-style: chr14-62779913-C-T. GRCh37 (hg19) VCF-style: chr14-63246631-C-T.
Other names: c.1822+22416G>A (NM_172375.3); short protein forms V612I.
Identifiers: ClinVar variation 1803572 (VCV001803572.2), dbSNP rs1886174038, ClinGen allele CA390099401.